The following is an entry in ClinVar:

NM_001267550.2(TTN):c.101684T>C (p.Ile33895Thr)

Genes: TTN (titin; minus strand), TTN-AS1 (TTN antisense RNA 1; plus strand). Cytogenetic location: 2q31.2.
Variant type: single nucleotide variant.
Coding change: c.101684T>C on transcript NM_001267550.2 (MANE Select); coding-DNA position 101684, T replaced by C.
Protein change: p.Ile33895Thr; replaces isoleucine 33895 with threonine.
Molecular consequence: missense variant.
Genome position (GRCh38, 1-based): chr2:178,534,931, A>G on the plus strand (T>C on the coding strand, the complement: TTN is on the minus strand). VCF-style: chr2-178534931-A-G. GRCh37 (hg19) VCF-style: chr2-179399658-A-G.
Other names: c.96761T>C, p.Ile32254Thr (NM_001256850.1); c.74489T>C, p.Ile24830Thr (NM_003319.4); c.93980T>C, p.Ile31327Thr (NM_133378.4); c.74864T>C, p.Ile24955Thr (NM_133432.3); c.75065T>C, p.Ile25022Thr (NM_133437.4); short protein forms I24955T, I31327T, I32254T, I33895T, I24830T, I25022T.
Identifiers: ClinVar variation 668671 (VCV000668671.2), dbSNP rs1575286728, ClinGen allele CA349419882.

ClinVar aggregate classification (germline): Conflicting classifications of pathogenicity. Review status: criteria provided, conflicting classifications (1 of 4 stars). 2 submissions from 2 submitters: Uncertain significance (1); Likely benign (1). Last evaluated 2025-12-06.

Conditions:
Dilated cardiomyopathy 1G (CMD1G). Identifiers: Orphanet 154, MedGen C1858763, MONDO:0011400, OMIM 604145.
Autosomal recessive limb-girdle muscular dystrophy type 2J (LGMDR10). Also called: MUSCULAR DYSTROPHY, LIMB-GIRDLE, AUTOSOMAL RECESSIVE 10; Limb-girdle muscular dystrophy, type 2J. Identifiers: Orphanet 140922, MedGen C1837342, MONDO:0012127, OMIM 608807.

Allele frequency attached by ClinVar (database versions not stated): gnomAD exomes below 0.00001; gnomAD 0.00001.
gnomAD v4.1: 5 of 1,611,740 alleles (0.00031%); highest among the groups gnomAD compares: East Asian, 0.0022%; no homozygotes.

Submissions (2):

Labcorp Genetics (formerly Invitae), Labcorp
Classification: Uncertain significance for Dilated cardiomyopathy 1G; Autosomal recessive limb-girdle muscular dystrophy type 2J. Last evaluated: 2025-12-06. Review status: criteria provided, single submitter. Criteria: Invitae Variant Classification Sherloc (09022015). Collection method: clinical testing. Allele origin: germline.
Comment: This sequence change replaces isoleucine, which is neutral and non-polar, with threonine, which is neutral and polar, at codon 33895 of the TTN protein (p.Ile33895Thr). This variant is not present in population databases (gnomAD no frequency). This variant has not been reported in the literature in individuals affected with TTN-related conditions. ClinVar contains an entry for this variant (Variation ID: 668671). Experimental studies and prediction algorithms are not available or were not evaluated, and the functional significance of this variant is currently unknown. This variant is located in the M band of TTN (PMID: 25589632). Non-truncating variants in this region may be relevant for neuromuscular disorders, but have not been definitively shown to cause cardiomyopathy (PMID: 23975875). In summary, the available evidence is currently insufficient to determine the role of this variant in disease. Therefore, it has been classified as a Variant of Uncertain Significance.

GeneDx
Classification: Likely benign. Last evaluated: 2018-05-30. Review status: criteria provided, single submitter. Criteria: GeneDx Variant Classification (06012015). Collection method: clinical testing. Allele origin: germline. Affected: yes.
Comment: This variant is considered likely benign or benign based on one or more of the following criteria: it is a conservative change, it occurs at a poorly conserved position in the protein, it is predicted to be benign by multiple in silico algorithms, and/or has population frequency not consistent with disease.

Literature cited by the submitters: PubMed 25589632 (cited by Labcorp Genetics (formerly Invitae), Labcorp); PubMed 23975875 (cited by Labcorp Genetics (formerly Invitae), Labcorp).